The following is an entry in ClinVar:

ClinVar aggregate classification (germline): Likely benign (1 of 4 stars; one submission).

Conditions:
Peutz-Jeghers syndrome (PJS). Also called: POLYPOSIS, HAMARTOMATOUS INTESTINAL; POLYPS-AND-SPOTS SYNDROME; Peutz-Jeghers polyposis; Periorificial lentiginosis syndrome. Identifiers: Orphanet 2869, MedGen C0031269, MeSH D010580, MONDO:0008280, OMIM 175200.

Submission:

Myriad Genetics, Inc.
Classification: Likely benign for Peutz-Jeghers syndrome. Last evaluated: 2025-03-27. Review status: criteria provided, single submitter. Criteria: Myriad Autosomal Dominant, Autosomal Recessive and X-Linked Classification Criteria (2023). Collection method: clinical testing. Allele origin: unknown.
Comment: This variant is considered likely benign. This variant is intronic and is not expected to impact mRNA splicing.

NM_000455.5(STK11):c.863-12G>T

Gene: STK11 (serine/threonine kinase 11; plus strand). Cytogenetic location: 19p13.3.
Variant type: single nucleotide variant.
Coding change: c.863-12G>T on transcript NM_000455.5 (MANE Select); 12 bases into the intron before coding-DNA position 863, G replaced by T.
Molecular consequence: intron variant.
Genome position (GRCh38, 1-based): chr19:1,221,937, G>T. VCF-style: chr19-1221937-G-T. GRCh37 (hg19) VCF-style: chr19-1221936-G-T.
Other names: c.863-12G>T (NM_001407255.1).
Identifiers: ClinVar variation 3904091 (VCV003904091.1).